The following is an entry in ClinVar:

NM_022489.4(INF2):c.230T>G (p.Leu77Arg)

Gene: INF2 (inverted formin 2; plus strand). Cytogenetic location: 14q32.33.
Variant type: single nucleotide variant.
Coding change: c.230T>G on transcript NM_022489.4 (MANE Select); coding-DNA position 230, T replaced by G.
Protein change: p.Leu77Arg; replaces leucine 77 with arginine.
Molecular consequence: missense variant.
Genome position (GRCh38, 1-based): chr14:104,701,595, T>G. VCF-style: chr14-104701595-T-G. GRCh37 (hg19) VCF-style: chr14-105167932-T-G.
Other names: c.230T>G, p.Leu77Arg (NM_001031714.4, NM_032714.3); short protein forms L77R.
Identifiers: ClinVar variation 637705 (VCV000637705.3), dbSNP rs1595163851, ClinGen allele CA391225568.

ClinVar aggregate classification (germline): Likely pathogenic. Review status: criteria provided, single submitter (1 of 4 stars). 2 submissions from 2 submitters: Likely pathogenic (1). 1 of the submissions does not count toward it. Last evaluated 2021-05-03.

Conditions:
Charcot-Marie-Tooth disease. Also called: Charcot-Marie-Tooth Hereditary Neuropathy; Charcot-Marie-Tooth Neuropathy. Identifiers: Orphanet 166, MedGen C0007959, MONDO:0015626.

Submissions (2):

GeneDx
Classification: Likely pathogenic. Last evaluated: 2021-05-03. Review status: criteria provided, single submitter. Criteria: GeneDx Variant Classification Process June 2021. Collection method: clinical testing. Allele origin: germline. Affected: yes.
Comment: Not observed in large population cohorts (Lek et al., 2016); In silico analysis supports that this missense variant has a deleterious effect on protein structure/function; This variant is associated with the following publications: (PMID: 24174593, 25676889, 27088055, 25165188, 30962575)

Inherited Neuropathy Consortium
Classification: Uncertain significance for Charcot-Marie-Tooth disease. Review status: no assertion criteria provided. Collection method: literature only. Allele origin: germline. Affected: yes. Not counted in ClinVar's aggregate classification.

Literature cited by the submitters: PubMed 24174593 (cited by Inherited Neuropathy Consortium).